The following is an entry in ClinVar:

NM_018417.6(ADCY10):c.4055A>G (p.Tyr1352Cys)

Gene: ADCY10 (adenylate cyclase 10; minus strand). Cytogenetic location: 1q24.2.
Variant type: single nucleotide variant.
Coding change: c.4055A>G on transcript NM_018417.6 (MANE Select); coding-DNA position 4055, A replaced by G.
Protein change: p.Tyr1352Cys; replaces tyrosine 1352 with cysteine.
Molecular consequence: missense variant.
Genome position (GRCh38, 1-based): chr1:167,823,121, T>C on the plus strand (A>G on the coding strand, the complement: ADCY10 is on the minus strand). VCF-style: chr1-167823121-T-C. GRCh37 (hg19) VCF-style: chr1-167792359-T-C.
Other names: c.3596A>G, p.Tyr1199Cys (NM_001167749.3); c.3779A>G, p.Tyr1260Cys (NM_001297772.2); short protein forms Y1260C, Y1199C, Y1352C.
Identifiers: ClinVar variation 2454869 (VCV002454869.5), dbSNP rs200816878, ClinGen allele CA1227157.

ClinVar aggregate classification (germline): Uncertain significance. Review status: criteria provided, multiple submitters, no conflicts (2 of 4 stars). 2 submissions from 2 submitters: Uncertain significance (2). Last evaluated 2025-07-23.

Allele frequency attached by ClinVar (database versions not stated): TOPMed 0.00001; gnomAD exomes 0.00002; 1000 Genomes Project 30x 0.00047; gnomAD 0.00006; ExAC 0.00007; 1000 Genomes Project 0.00060.
gnomAD v4.1: 47 of 1,613,802 alleles (0.0029%); highest among the groups gnomAD compares: East Asian, 0.042%; no homozygotes.

Submissions (2):

Labcorp Genetics (formerly Invitae), Labcorp
Classification: Uncertain significance. Last evaluated: 2025-07-23. Review status: criteria provided, single submitter. Criteria: Invitae Variant Classification Sherloc (09022015). Collection method: clinical testing. Allele origin: germline.
Comment: This sequence change replaces tyrosine, which is neutral and polar, with cysteine, which is neutral and slightly polar, at codon 1352 of the ADCY10 protein (p.Tyr1352Cys). This variant is present in population databases (rs200816878, gnomAD 0.09%), and has an allele count higher than expected for a pathogenic variant. This variant has not been reported in the literature in individuals affected with ADCY10-related conditions. ClinVar contains an entry for this variant (Variation ID: 2454869). An algorithm developed to predict the effect of missense changes on protein structure and function (PolyPhen-2) suggests that this variant is likely to be disruptive. In summary, the available evidence is currently insufficient to determine the role of this variant in disease. Therefore, it has been classified as a Variant of Uncertain Significance.

Ambry Genetics
Classification: Uncertain significance. Last evaluated: 2025-06-11. Review status: criteria provided, single submitter. Criteria: Ambry Variant Classification Scheme 2023. Collection method: clinical testing. Allele origin: germline.